The following is an entry in ClinVar:

NM_177438.3(DICER1):c.869C>G (p.Ser290Ter)

Gene: DICER1 (dicer 1, ribonuclease III; minus strand). Cytogenetic location: 14q32.13.
Variant type: single nucleotide variant.
Coding change: c.869C>G on transcript NM_177438.3 (MANE Select); coding-DNA position 869, C replaced by G.
Protein change: p.Ser290Ter; replaces serine 290 with a stop codon.
Molecular consequence: nonsense.
Genome position (GRCh38, 1-based): chr14:95,126,614, G>C on the plus strand (C>G on the coding strand, the complement: DICER1 is on the minus strand). VCF-style: chr14-95126614-G-C. GRCh37 (hg19) VCF-style: chr14-95592951-G-C.
Other names: c.869C>G, p.Ser290Ter (NM_001195573.1, NM_001271282.3, NM_001291628.2 and 1 more transcripts); short protein forms S290*.
Identifiers: ClinVar variation 933001 (VCV000933001.8), dbSNP rs1595447658, ClinGen allele CA390887490.

ClinVar aggregate classification (germline): Pathogenic. Review status: criteria provided, multiple submitters, no conflicts (2 of 4 stars). 2 submissions from 2 submitters: Pathogenic (2). Last evaluated 2023-01-26.

Conditions:
DICER1-related tumor predisposition. Also called: DICER1-related pleuropulmonary blastoma cancer predisposition syndrome; DICER1 syndrome. Identifiers: Orphanet 284343, MedGen C3839822, MONDO:0100216.

Submissions (2):

Labcorp Genetics (formerly Invitae), Labcorp
Classification: Pathogenic for DICER1-related tumor predisposition. Last evaluated: 2023-01-26. Review status: criteria provided, single submitter. Criteria: Invitae Variant Classification Sherloc (09022015). Collection method: clinical testing. Allele origin: germline.
Comment: This variant has not been reported in the literature in individuals affected with DICER1-related conditions. This variant is not present in population databases (gnomAD no frequency). This sequence change creates a premature translational stop signal (p.Ser290*) in the DICER1 gene. It is expected to result in an absent or disrupted protein product. Loss-of-function variants in DICER1 are known to be pathogenic (PMID: 19556464, 21266384). ClinVar contains an entry for this variant (Variation ID: 933001). For these reasons, this variant has been classified as Pathogenic.

Foulkes Cancer Genetics LDI, Lady Davis Institute for Medical Research
Classification: Pathogenic for Pleuropulmonary blastoma. Last evaluated: 2019-07-01. Review status: criteria provided, single submitter. Criteria: ACMG Guidelines, 2015. Collection method: curation. Allele origin: unknown, somatic. Affected: yes. Observed: 2 variant alleles.
Comment: ACMG criteria met: PVS1, PM2, PP3

Literature cited by the submitters: PubMed 19556464 (cited by Labcorp Genetics (formerly Invitae), Labcorp); PubMed 21266384 (cited by Labcorp Genetics (formerly Invitae), Labcorp); PubMed 26592504 (cited by Foulkes Cancer Genetics LDI, Lady Davis Institute for Medical Research); PubMed 29726952 (cited by Foulkes Cancer Genetics LDI, Lady Davis Institute for Medical Research).